The following is an entry in ClinVar:

ClinVar aggregate classification (germline): Pathogenic/Likely pathogenic. Review status: criteria provided, multiple submitters, no conflicts (2 of 4 stars). 3 submissions from 3 submitters: Pathogenic (1); Likely pathogenic (1). 1 of the submissions does not count toward it. Last evaluated 2022-07-17.

Conditions:
Hereditary breast ovarian cancer syndrome. Also called: Hereditary breast and ovarian cancer syndrome (HBOC); Breast and ovarian cancer; BRCA1- and BRCA2-Associated Hereditary Breast and Ovarian Cancer; Hereditary breast and/or ovarian cancer syndrome; Hereditary breast and ovarian cancer; Hereditary breast and ovarian cancer syndrome. Identifiers: Orphanet 145, MedGen C0677776, MeSH D061325, MONDO:0003582. Disease mechanism: loss of function.

Submissions (3):

Labcorp Genetics (formerly Invitae), Labcorp
Classification: Pathogenic for Hereditary breast ovarian cancer syndrome. Last evaluated: 2022-07-17. Review status: criteria provided, single submitter. Criteria: Invitae Variant Classification Sherloc (09022015). Collection method: clinical testing. Allele origin: germline.
Comment: For these reasons, this variant has been classified as Pathogenic. ClinVar contains an entry for this variant (Variation ID: 431282). Disruption of the initiator codon has been observed in individual(s) with breast cancer and/or personal or family history of breast and/or ovarian cancer (PMID: 14647210, 18182601, 21769658, 24156927, 24607278, 25330149; Invitae). It has also been observed to segregate with disease in related individuals. This variant is not present in population databases (gnomAD no frequency). This sequence change affects the initiator methionine of the BRCA2 mRNA. The next in-frame methionine is located at codon 124.

Institute of Medical Genetics and Applied Genomics, University Hospital Tübingen
Classification: Likely pathogenic. Last evaluated: 2020-10-23. Review status: criteria provided, single submitter. Criteria: ACMG Guidelines, 2015. Collection method: clinical testing. Allele origin: germline. Inheritance: Unknown mechanism. Affected: yes.

Research Molecular Genetics Laboratory, Women's College Hospital, University of Toronto
Classification: Pathogenic for Hereditary breast ovarian cancer syndrome. Last evaluated: 2014-01-31. Review status: no assertion criteria provided. Collection method: research. Allele origin: germline. Affected: yes. Study: The Canadian Open Genetics Repository (COGR). Not counted in ClinVar's aggregate classification.

Literature cited by the submitters: PubMed 14647210 (cited by Labcorp Genetics (formerly Invitae), Labcorp); PubMed 18182601 (cited by Labcorp Genetics (formerly Invitae), Labcorp); PubMed 21769658 (cited by Labcorp Genetics (formerly Invitae), Labcorp); PubMed 24156927 (cited by Labcorp Genetics (formerly Invitae), Labcorp); PubMed 24607278 (cited by Labcorp Genetics (formerly Invitae), Labcorp); PubMed 25330149 (cited by Labcorp Genetics (formerly Invitae), Labcorp).

NM_000059.4(BRCA2):c.2T>A (p.Met1Lys)

Gene: BRCA2 (BRCA2 DNA repair associated; plus strand). Cytogenetic location: 13q13.1.
Variant type: single nucleotide variant.
Coding change: c.2T>A on transcript NM_000059.4 (MANE Select); coding-DNA position 2, T replaced by A.
Protein change: p.Met1Lys; changes the start codon (methionine 1).
Molecular consequence: missense variant, initiator codon variant.
Genome position (GRCh38, 1-based): chr13:32,316,462, T>A. VCF-style: chr13-32316462-T-A. GRCh37 (hg19) VCF-style: chr13-32890599-T-A.
Other names: short protein forms M1K.
Identifiers: ClinVar variation 431282 (VCV000431282.11), dbSNP rs80358547, ClinGen allele CA387752876.